The following is an entry in ClinVar:

ClinVar aggregate classification (germline): Pathogenic (1 of 4 stars; one submission).

Conditions:
Telangiectasia, hereditary hemorrhagic, type 1 (HHT1). Also called: Osler Weber Rendu syndrome type 1; ENG-Related Hereditary Hemorrhagic Telangiectasia. Identifiers: Orphanet 774, MedGen C4551861, MONDO:0008535, OMIM 187300. Disease mechanism: loss of function.

gnomAD v4.1: 2 of 1,613,720 alleles (0.00012%); highest among the groups gnomAD compares: Non-Finnish European, 0.00017%; no homozygotes.

Submission:

Impact Genetics, Dynacare/LabCorp
Classification: Pathogenic for Telangiectasia, hereditary hemorrhagic, type 1. Last evaluated: 2023-08-28. Review status: criteria provided, single submitter. Criteria: DeMille et al. (Hum Mutat. 2024). Collection method: clinical testing. Allele origin: germline.
Comment: PVS1, PM2_supportive, PP3

NM_001114753.3(ENG):c.1135-1G>A

Genes: ENG (endoglin; minus strand), LOC102723566 (uncharacterized LOC102723566; plus strand). Cytogenetic location: 9q34.11.
Variant type: single nucleotide variant.
Coding change: c.1135-1G>A on transcript NM_001114753.3 (MANE Select); the canonical splice acceptor site of the intron before coding-DNA position 1135, G replaced by A.
Molecular consequence: splice acceptor variant.
Genome position (GRCh38, 1-based): chr9:127,820,038, C>T on the plus strand (G>A on the coding strand, the complement: ENG is on the minus strand). VCF-style: chr9-127820038-C-T. GRCh37 (hg19) VCF-style: chr9-130582317-C-T.
Other names: c.1135-1G>A (NM_000118.4); c.589-1G>A (NM_001278138.2).
Identifiers: ClinVar variation 4082244 (VCV004082244.1), dbSNP rs2539064493.